The following is an entry in ClinVar:

NM_032578.4(MYPN):c.1293C>A (p.Ile431=)

Gene: MYPN (myopalladin; plus strand). Cytogenetic location: 10q21.3.
Variant type: single nucleotide variant.
Coding change: c.1293C>A on transcript NM_032578.4 (MANE Select); coding-DNA position 1293, C replaced by A.
Protein change: p.Ile431=; no amino-acid change (isoleucine 431 retained).
Molecular consequence: synonymous variant. On other transcripts: non-coding transcript variant (2).
Genome position (GRCh38, 1-based): chr10:68,150,087, C>A. VCF-style: chr10-68150087-C-A. GRCh37 (hg19) VCF-style: chr10-69909844-C-A.
Other names: c.1293C>A, p.Ile431= (NM_001256267.2); c.411C>A, p.Ile137= (NM_001256268.2).
Identifiers: ClinVar variation 198273 (VCV000198273.56), dbSNP rs147184158, ClinGen allele CA203341.
Genomic context (GRCh38, chr10:68,150,087, plus strand): 5'-TCCCTTCTACCAGTGTCAGAGCCCCACCAATTACTTGCAGGGATTGGATGGAAAACCTAT[C>A]ATTGCAGCTCCTGTGTTTACAAAGGTAATAAAAATATTACTTCTTTCTGTCATGGCTTTA-3'
Protein context (NP_115967.2, residues 421-441): NYLQGLDGKP[Ile431=]IAAPVFTKML

ClinVar aggregate classification (germline): Benign/Likely benign. Review status: criteria provided, multiple submitters, no conflicts (2 of 4 stars). 14 submissions from 14 submitters: Benign (3); Likely benign (7). 4 of the submissions do not count toward it. Last evaluated 2026-02-03.

Conditions:
MYPN-related disorder. Also called: MYPN-related condition.
Cardiovascular phenotype. Identifiers: MedGen CN230736.
Dilated cardiomyopathy 1KK (CMD1KK). Identifiers: Orphanet 154, Orphanet 75249, MedGen C3714995, MONDO:0014100, OMIM 615248.

Allele frequency attached by ClinVar (database versions not stated): ESP Exome Variant Server 0.00054; gnomAD exomes 0.00065 and 0.00091; ExAC 0.00078; gnomAD 0.00081 and 0.00084; TOPMed 0.00114; 1000 Genomes Project 30x 0.00156; 1000 Genomes Project 0.00200.
gnomAD v4.1: 1,148 of 1,613,830 alleles (0.071%); highest among the groups gnomAD compares: Middle Eastern, 1.4%; 4 homozygotes.

Submissions (14):

Labcorp Genetics (formerly Invitae), Labcorp
Classification: Likely benign for Dilated cardiomyopathy 1KK. Last evaluated: 2026-02-03. Review status: criteria provided, single submitter. Criteria: Invitae Variant Classification Sherloc (09022015). Collection method: clinical testing. Allele origin: germline.

CeGaT Center for Human Genetics Tuebingen
Classification: Likely benign. Last evaluated: 2025-12-01. Review status: criteria provided, single submitter. Criteria: CeGaT Center For Human Genetics Tuebingen Variant Classification Criteria Version 2. Collection method: clinical testing. Allele origin: germline. Affected: yes. Observed: 6 variant alleles.
Comment: MYPN: BP4, BS1

Blueprint Genetics
Classification: Likely benign. Last evaluated: 2024-11-14. Review status: criteria provided, single submitter. Criteria: ACMG Guidelines, 2015. Collection method: clinical testing. Allele origin: germline.

Women's Health and Genetics/Laboratory Corporation of America, LabCorp
Classification: Benign. Last evaluated: 2023-04-17. Review status: criteria provided, single submitter. Criteria: LabCorp Variant Classification Summary - May 2015. Collection method: clinical testing. Allele origin: germline.

Laboratory for Molecular Medicine, Mass General Brigham Personalized Medicine
Classification: Benign. Last evaluated: 2017-05-09. Review status: criteria provided, single submitter. Criteria: LMM Criteria. Collection method: clinical testing. Allele origin: germline. Observed: 2 variant alleles.
Comment: p.Ile431Ile in exon 7 of MYPN: This variant is not expected to have clinical sig nificance because it does not alter an amino acid residue and is not located wit hin the splice consensus sequence. It has been identified in 0.6% (62/10150) of Ashkenazi Jewish chromosomes by the Genome Aggregation Database (gnomAD; dbSNP rs147184158).

GeneDx
Classification: Benign. Last evaluated: 2015-10-28. Review status: criteria provided, single submitter. Criteria: GeneDx Variant Classification (06012015). Collection method: clinical testing. Allele origin: germline. Affected: yes.
Comment: This variant is considered likely benign or benign based on one or more of the following criteria: it is a conservative change, it occurs at a poorly conserved position in the protein, it is predicted to be benign by multiple in silico algorithms, and/or has population frequency not consistent with disease.

Ambry Genetics
Classification: Likely benign for Cardiovascular phenotype. Last evaluated: 2015-09-25. Review status: criteria provided, single submitter. Criteria: Ambry Variant Classification Scheme 2023. Collection method: clinical testing. Allele origin: germline.

Clinical Genetics DNA and cytogenetics Diagnostics Lab, Erasmus MC, Erasmus Medical Center
Classification: Likely benign for Dilated cardiomyopathy 1KK. Last evaluated: 2015-09-21. Review status: criteria provided, single submitter. Criteria: ACGS Guidelines, 2013. Collection method: clinical testing. Allele origin: germline. Affected: yes. Study: VKGL Data-share Consensus.

Eurofins Ntd Llc (ga)
Classification: Likely benign. Last evaluated: 2014-12-16. Review status: criteria provided, single submitter. Criteria: EGL Classification Definitions 2015. Collection method: clinical testing. Allele origin: germline. Observed: 1 variant allele, 1 heterozygote.

Breakthrough Genomics
Classification: Likely benign. Review status: criteria provided, single submitter. Criteria: ACMG Guidelines, 2015. Collection method: not provided. Allele origin: germline. Inheritance: Autosomal recessive inheritance. Affected: yes.

PreventionGenetics, part of Exact Sciences
Classification: Likely benign for MYPN-related condition. Last evaluated: 2019-08-05. Review status: no assertion criteria provided. Collection method: clinical testing. Allele origin: germline. Not counted in ClinVar's aggregate classification.
Comment: This variant is classified as likely benign based on ACMG/AMP sequence variant interpretation guidelines (Richards et al. 2015 PMID: 25741868, with internal and published modifications).

Clinical Genetics, Academic Medical Center
Classification: Benign. Review status: no assertion criteria provided. Collection method: clinical testing. Allele origin: germline. Affected: yes. Study: VKGL Data-share Consensus. Not counted in ClinVar's aggregate classification.

Diagnostic Laboratory, Department of Genetics, University Medical Center Groningen
Classification: Likely benign for Dilated cardiomyopathy 1KK. Review status: no assertion criteria provided. Collection method: clinical testing. Allele origin: germline. Affected: yes. Study: VKGL Data-share Consensus. Not counted in ClinVar's aggregate classification.

Joint Genome Diagnostic Labs from Nijmegen and Maastricht, Radboudumc and MUMC+
Classification: Likely benign. Review status: no assertion criteria provided. Collection method: clinical testing. Allele origin: germline. Affected: yes. Study: VKGL Data-share Consensus. Not counted in ClinVar's aggregate classification.